The following continues an entry in ClinVar:

NM_000059.4(BRCA2):c.7007G>C (p.Arg2336Pro)

Gene: BRCA2. ClinVar aggregate classification (germline): Pathogenic/Likely pathogenic. Pathogenic (15); Likely pathogenic (1).

Submissions 8 to 21 of 21:

Baylor Genetics
Classification: Pathogenic for Familial cancer of breast. Last evaluated: 2024-03-05. Review status: criteria provided, single submitter. Criteria: ACMG Guidelines, 2015. Collection method: clinical testing. Allele origin: unknown.

Ambry Genetics
Classification: Pathogenic for Hereditary cancer-predisposing syndrome. Last evaluated: 2024-01-31. Review status: criteria provided, single submitter. Criteria: Ambry Variant Classification Scheme 2023. Collection method: clinical testing. Allele origin: germline.
Comment: The c.7007G>C pathogenic mutation (also known as p.R2336P), located in coding exon 12 of the BRCA2 gene, results from a G to C substitution at nucleotide position 7007. The amino acid change results in arginine to proline at codon 2336, an amino acid with dissimilar properties. This change occurs in the last base pair of coding exon 12, which makes it likely to have some effect on normal mRNA splicing. RNA studies have demonstrated that this alteration results in abnormal splicing in the set of samples tested (Houdayer C et al. Hum. Mutat. 2012 Aug; 33(8):1228-38; Ambry internal data). In addition, this mutation has been reported in numerous individuals with breast and/or ovarian cancer (Serova-Sinilnikova OM et al. Am. J. Hum. Genet. 1997 May; 60(5):1236-9; Laitman Y et al. Breast Cancer Res. Treat. 2011 Jun; 127(2):489-95; Sagi M et al. Fam. Cancer 2011 Mar; 10(1):59-63; Santonocito C et al. Cancers (Basel), 2020 May;12; Tsaousis GN et al. BMC Cancer, 2019 Jun;19:535; Schayek H et al. Breast Cancer Res Treat, 2018 Jul;170:399-404) and has been described as a founder mutation in the Balkan Jewish population (Barnes-Kedar I et al. Breast Cancer Res Treat, 2018 Nov;172:151-157). This mutation has also been detected in conjunction with a nonsense mutation in BRCA2 in an individual with Fanconi anemia (Meng L et al. JAMA Pediatr. 2017 12;171(12):e173438). Of note, this alteration is also designated as 7235G>C in published literature. Based on the supporting evidence, this alteration is interpreted as a disease-causing mutation. However, because this variant is identified in one or more patients with Fanconi Anemia it may be hypomorphic and thus, carriers of this variant and their families may present with reduced risks, and not with the typical clinical characteristics of a high-risk pathogenic BRCA2 alteration. As risk estimates are unknown at this time, clinical correlation is advised.

GeneDx
Classification: Pathogenic. Last evaluated: 2024-01-30. Review status: criteria provided, single submitter. Criteria: GeneDx Variant Classification Process June 2021. Collection method: clinical testing. Allele origin: germline. Affected: yes.
Comment: In silico analysis supports a deleterious effect on splicing; Not observed at significant frequency in large population cohorts (gnomAD); Also known as 7235G>C; This variant is associated with the following publications: (PMID: 29560538, 9150172, 22762150, 26913838, 21523855, 20960228, 26187060, 25256924, 22399190, 21063910, 24312913, 21548014, 28008555, 29086229, 30014164, 21465317, 28973083, 32444794, 30787465, 32341426, 32438681, 34687993, 22505045, 31131967)

Blueprint Genetics
Classification: Pathogenic for BRCA2-related disorders. Last evaluated: 2023-09-26. Review status: criteria provided, single submitter. Criteria: ACMG Guidelines, 2015. Collection method: clinical testing. Allele origin: germline. Affected: yes. Observed: 1 variant allele.

Daryl Scott Lab, Baylor College of Medicine
Classification: Pathogenic for Fanconi anemia complementation group D1. Last evaluated: 2020-11-11. Review status: criteria provided, single submitter. Criteria: ACMG Guidelines, 2015. Collection method: clinical testing. Allele origin: maternal. Affected: yes. Observed: 1 variant allele, 1 compound heterozygote.

Department of Molecular Diagnostics, Institute of Oncology Ljubljana
Classification: Pathogenic for Breast-ovarian cancer, familial, susceptibility to, 1. Last evaluated: 2020-04-02. Review status: criteria provided, single submitter. Criteria: ACMG Guidelines, 2015. Collection method: clinical testing. Allele origin: germline. Affected: yes.

GeneKor MSA
Classification: Pathogenic for Hereditary breast and ovarian cancer syndrome. Last evaluated: 2020-01-01. Review status: criteria provided, single submitter. Criteria: ACMG Guidelines, 2015. Collection method: clinical testing. Allele origin: germline. Affected: yes.
Comment: This variation replaces Arginine with Proline at codon 2336 of the BRCA2 protein. The arginine residue is weakly conserved and is located in a domain of the protein that is not known to be functionally important. There is a moderate physicochemical difference between arginine and proline (Grantham Score 81). This variant also falls at the last nucleotide of exon 13 of the BRCA2 coding sequence, which is part of the consensus splice site for this exon. This variant is not present in population databases (rs28897743, ExAC no frequency). This variant has been reported in individuals with breast and/or ovarian cancer and Fanconi anemia (PMID: 9150172, PMID: 22399190, PMID: 21548014 ). This variant is also known as 7235G>C in the literature. Experimental studies have shown that this missense change causes skipping of exons 12 and 13 (PMID: 22505045). The mutation database ClinVar contains entries for this variant (Variation ID: 52241).

Consortium of Investigators of Modifiers of BRCA1/2 (CIMBA), c/o University of Cambridge
Classification: Pathogenic for Breast-ovarian cancer, familial, susceptibility to, 2. Last evaluated: 2015-10-02. Review status: criteria provided, single submitter. Criteria: CIMBA Mutation Classification guidelines May 2016. Collection method: clinical testing. Allele origin: germline.

Hadassah Hebrew University Medical Center
Classification: Pathogenic for Breast-ovarian cancer, familial, susceptibility to, 2. Review status: criteria provided, single submitter. Criteria: ACMG Guidelines, 2015. Collection method: research. Allele origin: germline. Affected: no. Observed: 1 variant allele.

King Laboratory, University of Washington
Classification: Pathogenic for Hereditary breast and ovarian cancer syndrome; Breast-ovarian cancer, familial 2. Last evaluated: 2019-09-01. Review status: no assertion criteria provided. Collection method: research. Allele origin: germline. Affected: yes. Not counted in ClinVar's aggregate classification.
Comment: Transcript analysis by cBROCA

Research Molecular Genetics Laboratory, Women's College Hospital, University of Toronto
Classification: Pathogenic for Hereditary breast ovarian cancer syndrome. Last evaluated: 2014-01-31. Review status: no assertion criteria provided. Collection method: research. Allele origin: germline. Affected: yes. Study: The Canadian Open Genetics Repository (COGR). Not counted in ClinVar's aggregate classification.

Sharing Clinical Reports Project (SCRP)
Classification: Pathogenic for Breast-ovarian cancer, familial 2. Last evaluated: 2011-05-04. Review status: no assertion criteria provided. Collection method: clinical testing. Allele origin: germline. Not counted in ClinVar's aggregate classification.

Breast Cancer Information Core (BIC) (BRCA2)
Classification: Pathogenic for Breast-ovarian cancer, familial 2. Last evaluated: 2006-05-05. Review status: no assertion criteria provided. Collection method: clinical testing. Allele origin: germline. Affected: yes. Observed: 5 variant alleles. Not counted in ClinVar's aggregate classification.

Department of Pathology and Laboratory Medicine, Sinai Health System
Classification: Pathogenic for Malignant tumor of breast. Review status: no assertion criteria provided. Collection method: clinical testing. Allele origin: unknown. Affected: yes. Study: The Canadian Open Genetics Repository (COGR). Not counted in ClinVar's aggregate classification.
Comment: The p.Arg2336Pro variant has been previously reported in the literature in at least one individual with hereditary breast cancer (Laitman 2011). In addition, this variant has been previously reported in the UMD database (2x as causal), and the BIC database (5x as clinically relevant). The variant is also reported in dbSNP (rs28897743) and may be a low frequency pathogenic variant in one or more populations. The p.Arg2336Pro variant occurs in the last base of the exon. This position has been shown to be part of the splicing consensus sequence and variants involving this position sometimes affect splicing. In addition, in one study, RNA was extracted from lymphoblastoid cell lines and an increase of alternative splicing was observed ('Exons 12 and 13 skipped'), increasing the likelihood this variant has clinical significance (Houdayer 2012). Another variant at the same position (c.7007G>A; p.Arg2336His) has been shown to induce aberrant splicing (Thomassen 2006), also increasing the likelihood a variant at this position is clinically significant. Furthermore, in-silico analysis (SpliceSiteFinder, MaxEntScan, NNSPLICE, GeneSplicer, HumanSpliceFinder) predicts a greater than 10% difference in splicing in 3 of 5 different programs. In summary, based on the above information, this variant is classified as Pathogenic.

Literature cited by the submitters: PubMed 22505045 (cited by 5 submitters); PubMed 9150172 (cited by 5 submitters); PubMed 21465317 (cited by Women's Health and Genetics/Laboratory Corporation of America, LabCorp); PubMed 20960228 (cited by 5 submitters); PubMed 22399190 (cited by 5 submitters); PubMed 25256924 (cited by Women's Health and Genetics/Laboratory Corporation of America, LabCorp and Quest Diagnostics Nichols Institute San Juan Capistrano); PubMed 28008555 (cited by 3 submitters); PubMed 21063910 (cited by 4 submitters); PubMed 21548014 (cited by 4 submitters); PubMed 17576681 (cited by Labcorp Genetics (formerly Invitae), Labcorp); PubMed 9536098 (cited by Labcorp Genetics (formerly Invitae), Labcorp); PubMed 16792514 (cited by Labcorp Genetics (formerly Invitae), Labcorp); PubMed 20215541 (cited by Labcorp Genetics (formerly Invitae), Labcorp); PubMed 31131967 (cited by Color Diagnostics, LLC DBA Color Health); PubMed 31853058 (cited by Color Diagnostics, LLC DBA Color Health); PubMed 32438681 (cited by 3 submitters); PubMed 33293522 (cited by 3 submitters); PubMed 28973083 (cited by Quest Diagnostics Nichols Institute San Juan Capistrano and Ambry Genetics); PubMed 29560538 (cited by Quest Diagnostics Nichols Institute San Juan Capistrano and Ambry Genetics); PubMed 30014164 (cited by Quest Diagnostics Nichols Institute San Juan Capistrano and Ambry Genetics); PubMed 31159747 (cited by Quest Diagnostics Nichols Institute San Juan Capistrano and Ambry Genetics); PubMed 33461977 (cited by Quest Diagnostics Nichols Institute San Juan Capistrano and Daryl Scott Lab, Baylor College of Medicine); PubMed 31843900 (cited by King Laboratory, University of Washington).